The following is an entry in ClinVar:

NM_021098.3(CACNA1H):c.2365A>G (p.Ile789Val)

Gene: CACNA1H (calcium voltage-gated channel subunit alpha1 H; plus strand). Cytogenetic location: 16p13.3.
Variant type: single nucleotide variant.
Coding change: c.2365A>G on transcript NM_021098.3 (MANE Select); coding-DNA position 2365, A replaced by G.
Protein change: p.Ile789Val; replaces isoleucine 789 with valine.
Molecular consequence: missense variant.
Genome position (GRCh38, 1-based): chr16:1,204,372, A>G. VCF-style: chr16-1204372-A-G. GRCh37 (hg19) VCF-style: chr16-1254372-A-G.
Other names: c.2365A>G, p.Ile789Val (NM_001005407.2); c.2365A>G (NM_021098.2); short protein forms I789V.
Identifiers: ClinVar variation 3578306 (VCV003578306.3).

ClinVar aggregate classification (germline): Uncertain significance. Review status: criteria provided, multiple submitters, no conflicts (2 of 4 stars). 3 submissions from 3 submitters: Uncertain significance (3). Last evaluated 2025-10-02.

Conditions:
Idiopathic generalized epilepsy. Also called: Generalised epilepsy; EIG. Identifiers: MedGen C0270850, MONDO:0005579, OMIM 600669.
Hyperaldosteronism, familial, type IV (HALD4). Also called: FH IV; ALDOSTERONISM, PRIMARY, AND HYPERTENSION. Identifiers: Orphanet 642671, MedGen C4310756, MONDO:0014875, OMIM 617027.
Inborn genetic diseases. Identifiers: MedGen C0950123, MeSH D030342.
Epilepsy, childhood absence, susceptibility to, 6. Identifiers: Orphanet 64280, MedGen C2749872, MONDO:0012763, OMIM 611942.

gnomAD v4.1: 16 of 1,569,004 alleles (0.001%); highest among the groups gnomAD compares: Admixed American, 0.0036%; no homozygotes.

Submissions (3):

Labcorp Genetics (formerly Invitae), Labcorp
Classification: Uncertain significance for Idiopathic generalized epilepsy; Hyperaldosteronism, familial, type IV. Last evaluated: 2025-10-02. Review status: criteria provided, single submitter. Criteria: Invitae Variant Classification Sherloc (09022015). Collection method: clinical testing. Allele origin: germline.
Comment: This sequence change replaces isoleucine, which is neutral and non-polar, with valine, which is neutral and non-polar, at codon 789 of the CACNA1H protein (p.Ile789Val). This variant is present in population databases (rs751125584, gnomAD 0.01%). This variant has not been reported in the literature in individuals affected with CACNA1H-related conditions. ClinVar contains an entry for this variant (Variation ID: 3578306). Invitae Evidence Modeling of protein sequence and biophysical properties (such as structural, functional, and spatial information, amino acid conservation, physicochemical variation, residue mobility, and thermodynamic stability) indicates that this missense variant is not expected to disrupt CACNA1H protein function with a negative predictive value of 80%. In summary, the available evidence is currently insufficient to determine the role of this variant in disease. Therefore, it has been classified as a Variant of Uncertain Significance.

Ambry Genetics
Classification: Uncertain significance for Inborn genetic diseases. Last evaluated: 2025-08-03. Review status: criteria provided, single submitter. Criteria: Ambry Variant Classification Scheme 2023. Collection method: clinical testing. Allele origin: germline.

Fulgent Genetics
Classification: Uncertain significance for Epilepsy, childhood absence, susceptibility to, 6; Hyperaldosteronism, familial, type IV. Last evaluated: 2024-01-02. Review status: criteria provided, single submitter. Criteria: ACMG Guidelines, 2015. Collection method: clinical testing. Allele origin: germline.